The following is an entry in ClinVar:

NM_006372.5(SYNCRIP):c.632G>C (p.Cys211Ser)

Gene: SYNCRIP (synaptotagmin binding cytoplasmic RNA interacting protein; minus strand). Cytogenetic location: 6q14.3.
Variant type: single nucleotide variant.
Coding change: c.632G>C on transcript NM_006372.5 (MANE Select); coding-DNA position 632, G replaced by C.
Protein change: p.Cys211Ser; replaces cysteine 211 with serine.
Molecular consequence: missense variant.
Genome position (GRCh38, 1-based): chr6:85,637,001, C>G on the plus strand (G>C on the coding strand, the complement: SYNCRIP is on the minus strand). VCF-style: chr6-85637001-C-G. GRCh37 (hg19) VCF-style: chr6-86346719-C-G.
Other names: c.338G>C, p.Cys113Ser (NM_001159673.2, NM_001410938.1, NM_001439159.1); c.632G>C, p.Cys211Ser (NM_001159674.2, NM_001159675.2, NM_001159676.2 and 5 more transcripts); c.176G>C, p.Cys59Ser (NM_001253771.2); short protein forms C113S, C211S, C59S.
Identifiers: ClinVar variation 5020986 (VCV005020986.1).

ClinVar aggregate classification (germline): Uncertain significance (1 of 4 stars; one submission).

Submission:

Dasa
Classification: Uncertain significance. Last evaluated: 2026-07-30. Review status: criteria provided, single submitter. Criteria: DASA Assertion Criteria. Collection method: clinical testing. Allele origin: germline.
Comment: NM_006372.5(SYNCRIP):c.632G>C (p.Cys211Ser) is a missense variant that results in the substitution of cysteine with serine. This variant is rare in population databases. The currently available literature and clinical evidence are not sufficient to establish a definitive association between this variant and the reported condition. Therefore, this variant is classified as a variant of uncertain significance.